The following is an entry in ClinVar:

NM_002439.5(MSH3):c.1641C>G (p.Ile547Met)

Gene: MSH3 (mutS homolog 3; plus strand). Cytogenetic location: 5q14.1.
Variant type: single nucleotide variant.
Coding change: c.1641C>G on transcript NM_002439.5 (MANE Select); coding-DNA position 1641, C replaced by G.
Protein change: p.Ile547Met; replaces isoleucine 547 with methionine.
Molecular consequence: missense variant.
Genome position (GRCh38, 1-based): chr5:80,741,536, C>G. VCF-style: chr5-80741536-C-G. GRCh37 (hg19) VCF-style: chr5-80037355-C-G.
Other names: short protein forms I547M.
Identifiers: ClinVar variation 1055281 (VCV001055281.9), dbSNP rs2112866849, ClinGen allele CA360274575.

ClinVar aggregate classification (germline): Uncertain significance (1 of 4 stars; one submission).

Submission:

Labcorp Genetics (formerly Invitae), Labcorp
Classification: Uncertain significance. Last evaluated: 2023-04-30. Review status: criteria provided, single submitter. Criteria: Invitae Variant Classification Sherloc (09022015). Collection method: clinical testing. Allele origin: germline.
Comment: In summary, the available evidence is currently insufficient to determine the role of this variant in disease. Therefore, it has been classified as a Variant of Uncertain Significance. An algorithm developed to predict the effect of missense changes on protein structure and function (PolyPhen-2) suggests that this variant is likely to be disruptive. ClinVar contains an entry for this variant (Variation ID: 1055281). This variant has not been reported in the literature in individuals affected with MSH3-related conditions. This variant is not present in population databases (gnomAD no frequency). This sequence change replaces isoleucine, which is neutral and non-polar, with methionine, which is neutral and non-polar, at codon 547 of the MSH3 protein (p.Ile547Met).